The following is an entry in ClinVar:

NM_001042492.3(NF1):c.3604G>T (p.Ala1202Ser)

Gene: NF1 (neurofibromin 1; plus strand). Cytogenetic location: 17q11.2.
Variant type: single nucleotide variant.
Coding change: c.3604G>T on transcript NM_001042492.3 (MANE Select); coding-DNA position 3604, G replaced by T.
Protein change: p.Ala1202Ser; replaces alanine 1202 with serine.
Molecular consequence: missense variant.
Genome position (GRCh38, 1-based): chr17:31,233,109, G>T. VCF-style: chr17-31233109-G-T. GRCh37 (hg19) VCF-style: chr17-29560127-G-T.
Other names: p.Ala1202Ser; c.3604G>T, p.Ala1202Ser (NM_000267.4); short protein forms A1202S.
Identifiers: ClinVar variation 141747 (VCV000141747.27), dbSNP rs146641724, ClinGen allele CA166289.
Genomic context (GRCh38, chr17:31,233,109, plus strand): 5'-GTTCTGACAAAAATCCTTCAACAAGGCACAGAATTTGACACACTTGCAGAAACAGTATTG[G>T]CTGATCGGTTTGAGAGATTGGTGGAACTGGTCACAATGATGGGTGATCAAGGAGAACTCC-3'
Protein context (NP_001035957.1, residues 1192-1212): EFDTLAETVL[Ala1202Ser]DRFERLVELV

ClinVar aggregate classification (germline): Conflicting classifications of pathogenicity. Review status: criteria provided, conflicting classifications (1 of 4 stars). 11 submissions from 10 submitters: Uncertain significance (7); Likely benign (4). Last evaluated 2026-01-26.

Conditions:
Cardiovascular phenotype. Identifiers: MedGen CN230736.
Hereditary cancer-predisposing syndrome. Also called: Tumor predisposition; Neoplastic Syndromes, Hereditary; Hereditary neoplastic syndrome; Hereditary Cancer Syndrome. Identifiers: Orphanet 140162, MedGen C0027672, MeSH D009386, MONDO:0015356.
NF1-related disorder. Also called: NF1-related condition. Identifiers: MedGen CN379171.
Neurofibromatosis, type 1 (NF1). Also called: NEUROFIBROMATOSIS, TYPE I, SOMATIC; VON RECKLINGHAUSEN DISEASE; Peripheral type neurofibromatosis; Neurofibromatosis, type I. Identifiers: Orphanet 636, MedGen C0027831, MONDO:0018975, OMIM 162200. Disease mechanism: loss of function.
Neurofibromatosis-Noonan syndrome (NFNS). Also called: NEUROFIBROMATOSIS WITH NOONAN PHENOTYPE. Identifiers: Orphanet 638, MedGen C2931482, MONDO:0011035, OMIM 601321. Disease mechanism: loss of function.
Café-au-lait macules with pulmonary stenosis (WTSN). Also called: PULMONIC STENOSIS WITH CAFE-AU-LAIT SPOTS. Identifiers: MedGen C0553586, MONDO:0008672, OMIM 193520.
Neurofibromatosis, familial spinal (FSNF). Identifiers: Orphanet 636, MedGen C1834235, MONDO:0008078, OMIM 162210. Disease mechanism: loss of function.
Juvenile myelomonocytic leukemia (JMML). Also called: LEUKEMIA, JUVENILE MYELOMONOCYTIC, SOMATIC. Identifiers: Orphanet 86834, MedGen C0349639, MONDO:0011908, OMIM 607785, HP:0012209.
Lymphedema. Also called: Lymphoedema. Identifiers: MedGen C0024236, MONDO:0019297, HP:0001004.

Allele frequency attached by ClinVar (database versions not stated): gnomAD 0.00003; TOPMed 0.00003; gnomAD exomes 0.00005; ESP Exome Variant Server 0.00015.
gnomAD v4.1: 79 of 1,614,020 alleles (0.0049%); highest among the groups gnomAD compares: Non-Finnish European, 0.0065%; no homozygotes.

Submissions (11):

Labcorp Genetics (formerly Invitae), Labcorp
Classification: Likely benign for Neurofibromatosis, type 1. Last evaluated: 2026-01-26. Review status: criteria provided, single submitter. Criteria: Invitae Variant Classification Sherloc (09022015). Collection method: clinical testing. Allele origin: germline.

PreventionGenetics, part of Exact Sciences
Classification: Uncertain significance for NF1-related condition. Last evaluated: 2025-09-23. Review status: criteria provided, single submitter. Criteria: ACMG Guidelines, 2015. Collection method: clinical testing. Allele origin: germline.
Comment: The NF1 c.3604G>T variant is predicted to result in the amino acid substitution p.Ala1202Ser. This variant has been reported in a patient with either a clinical diagnosis or family history of neurofibromatosis (Griffiths et al. 2007. PubMed ID: 16944272). This variant was also reported in a patient with café-au lait macules and their father with a single café- au lait macule, and was classified as benign (Table S1, Hirata et al. 2015. PubMed ID: 26635368). This variant is reported in 0.0065% of alleles in individuals of European (Non-Finnish) descent in gnomAD. This variant has conflicting interpretations in ClinVar ranging from uncertain to likely benign (Variation ID: 141747). At this time, the clinical significance of this variant is uncertain due to the absence of conclusive functional and genetic evidence.

Quest Diagnostics Nichols Institute San Juan Capistrano
Classification: Uncertain significance. Last evaluated: 2025-03-05. Review status: criteria provided, single submitter. Criteria: Quest Diagnostics criteria. Collection method: clinical testing. Allele origin: unknown.

Blueprint Genetics
Classification: Likely benign. Last evaluated: 2024-10-03. Review status: criteria provided, single submitter. Criteria: ACMG Guidelines, 2015. Collection method: clinical testing. Allele origin: germline.

Mayo Clinic Laboratories, Mayo Clinic
Classification: Uncertain significance. Last evaluated: 2023-04-04. Review status: criteria provided, single submitter. Criteria: ACMG Guidelines, 2015. Collection method: clinical testing. Allele origin: germline. Observed: 1 variant allele.
Comment: BS3_supporting, PM2

GeneDx
Classification: Uncertain significance. Last evaluated: 2022-06-29. Review status: criteria provided, single submitter. Criteria: GeneDx Variant Classification Process June 2021. Collection method: clinical testing. Allele origin: germline. Affected: yes.
Comment: In silico analysis, which includes protein predictors and evolutionary conservation, supports that this variant does not alter protein structure/function; Published functional studies demonstrate no damaging effect: normal binding of NF1 to SPRED1 (Hirata 2016); Observed in individuals with suspected neurofibromatosis type 1 (Griffiths 2007, Hirata 2016); This variant is associated with the following publications: (PMID: 26635368, 16944272, 25486365, 22807134)

Genome-Nilou Lab
Classification: Uncertain significance for Neurofibromatosis, type 1. Last evaluated: 2022-03-15. Review status: criteria provided, single submitter. Criteria: ACMG Guidelines, 2015. Collection method: clinical testing. Allele origin: germline. Affected: no.

Fulgent Genetics
Classification: Uncertain significance for Neurofibromatosis, type 1; Neurofibromatosis, familial spinal; Café-au-lait macules with pulmonary stenosis; Neurofibromatosis-Noonan syndrome; Juvenile myelomonocytic leukemia. Last evaluated: 2021-07-06. Review status: criteria provided, single submitter. Criteria: ACMG Guidelines, 2015. Collection method: clinical testing. Allele origin: unknown.

Ambry Genetics
Classification: Likely benign for Cardiovascular phenotype; Hereditary cancer-predisposing syndrome. Last evaluated: 2021-03-30. Review status: criteria provided, single submitter. Criteria: Ambry Variant Classification Scheme 2023. Collection method: clinical testing. Allele origin: germline.

Cambridge Genomics Laboratory, East Genomic Laboratory Hub, NHS Genomic Medicine Service
Classification: Likely benign for Lymphedema. Last evaluated: 2019-09-09. Review status: criteria provided, single submitter. Criteria: ACGS Best Practice Guidelines for Variant Classification in Rare Disease 2020. Collection method: clinical testing. Allele origin: germline. Affected: yes. Observed: 1 variant allele.

Ambry Genetics
Classification: Uncertain significance for Hereditary cancer-predisposing syndrome. Last evaluated: 2016-03-20. Review status: criteria provided, single submitter. Criteria: Ambry Autosomal Dominant and X-Linked criteria (10/2015). Collection method: clinical testing. Allele origin: germline. Observed: 1 variant allele.
Comment: The p.A1202S variant (also known as c.3604G>T), located in coding exon 27 of the NF1 gene, results from a G to T substitution at nucleotide position 3604. The alanine at codon 1202 is replaced by serine, an amino acid with similar properties. This alteration has been reported in a series of suspected neurofibromatosis type 1 patients; however, detailed clinical information was not presented (Griffiths S et al. Fam. Cancer 2007;6(1):21-34). This variant was previously reported in the SNPDatabase as rs146641724. Based on data from the NHLBI Exome Sequencing Project (ESP), the T allele has an overall frequency of approximately 0.02% (2/13006) total alleles studied, having been observed in 0.02% (2/8600) European American alleles. To date, this alteration has been detected with an allele frequency of approximately 0.008% (greater than 110000 alleles tested) in our clinical cohort. This amino acid position is highly conserved in available vertebrate species. In addition, the in silico prediction for this alteration is inconclusive. Since supporting evidence is limited at this time, the clinical significance of p.A1202S remains unclear.

Literature cited by the submitters: PubMed 16944272 (cited by Mayo Clinic Laboratories, Mayo Clinic and Ambry Genetics); PubMed 26635368 (cited by Mayo Clinic Laboratories, Mayo Clinic).